The following is an entry in ClinVar:

ClinVar aggregate classification (germline): Likely benign. Review status: criteria provided, single submitter (1 of 4 stars). 2 submissions from 2 submitters: Likely benign (1). 1 of the submissions does not count toward it. Last evaluated 2023-12-30.

Conditions:
PCNT-related disorder. Also called: PCNT-related condition.

Allele frequency attached by ClinVar (database versions not stated): gnomAD exomes below 0.00001; gnomAD 0.00001; TOPMed 0.00001.
gnomAD v4.1: 6 of 1,613,174 alleles (0.00037%); highest among the groups gnomAD compares: Non-Finnish European, 0.00051%; no homozygotes.

Submissions (2):

Labcorp Genetics (formerly Invitae), Labcorp
Classification: Likely benign. Last evaluated: 2023-12-30. Review status: criteria provided, single submitter. Criteria: Invitae Variant Classification Sherloc (09022015). Collection method: clinical testing. Allele origin: germline.

PreventionGenetics, part of Exact Sciences
Classification: Likely benign for PCNT-related condition. Last evaluated: 2022-01-18. Review status: no assertion criteria provided. Collection method: clinical testing. Allele origin: germline. Not counted in ClinVar's aggregate classification.
Comment: This variant is classified as likely benign based on ACMG/AMP sequence variant interpretation guidelines (Richards et al. 2015 PMID: 25741868, with internal and published modifications).

NM_006031.6(PCNT):c.9759G>T (p.Arg3253=)

Gene: PCNT (pericentrin; plus strand). Cytogenetic location: 21q22.3.
Variant type: single nucleotide variant.
Coding change: c.9759G>T on transcript NM_006031.6 (MANE Select); coding-DNA position 9759, G replaced by T.
Protein change: p.Arg3253=; no amino-acid change (arginine 3253 retained).
Molecular consequence: synonymous variant.
Genome position (GRCh38, 1-based): chr21:46,443,868, G>T. VCF-style: chr21-46443868-G-T. GRCh37 (hg19) VCF-style: chr21-47863781-G-T.
Other names: c.9759G>T (NM_006031.5); c.9168G>T, p.Arg3056= (NM_001315529.2).
Identifiers: ClinVar variation 2964010 (VCV002964010.4), dbSNP rs1304050552, ClinGen allele CA512755339.